The following is an entry in ClinVar:

NM_020461.4(TUBGCP6):c.62C>G (p.Thr21Ser)

Gene: TUBGCP6 (tubulin gamma complex component 6; minus strand). Cytogenetic location: 22q13.33.
Variant type: single nucleotide variant.
Coding change: c.62C>G on transcript NM_020461.4 (MANE Select); coding-DNA position 62, C replaced by G.
Protein change: p.Thr21Ser; replaces threonine 21 with serine.
Molecular consequence: missense variant.
Genome position (GRCh38, 1-based): chr22:50,244,398, G>C on the plus strand (C>G on the coding strand, the complement: TUBGCP6 is on the minus strand). VCF-style: chr22-50244398-G-C. GRCh37 (hg19) VCF-style: chr22-50682827-G-C.
Other names: c.62C>G (NM_020461.3); short protein forms T21S.
Identifiers: ClinVar variation 1484378 (VCV001484378.6), dbSNP rs1359934518, ClinGen allele CA412117391.

ClinVar aggregate classification (germline): Uncertain significance. Review status: criteria provided, multiple submitters, no conflicts (2 of 4 stars). 2 submissions from 2 submitters: Uncertain significance (2). Last evaluated 2023-08-14.

Allele frequency attached by ClinVar (database versions not stated): gnomAD exomes below 0.00001 and 0.00004; TOPMed 0.00003; gnomAD 0.00005.
gnomAD v4.1: 63 of 1,613,084 alleles (0.0039%); highest among the groups gnomAD compares: Non-Finnish European, 0.005%; no homozygotes.

Submissions (2):

GeneDx
Classification: Uncertain significance. Last evaluated: 2023-08-14. Review status: criteria provided, single submitter. Criteria: GeneDx Variant Classification Process June 2021. Collection method: clinical testing. Allele origin: germline. Affected: yes.
Comment: Not observed at significant frequency in large population cohorts (gnomAD); In silico analysis supports that this missense variant does not alter protein structure/function; Has not been previously published as pathogenic or benign to our knowledge

Labcorp Genetics (formerly Invitae), Labcorp
Classification: Uncertain significance. Last evaluated: 2022-05-12. Review status: criteria provided, single submitter. Criteria: Invitae Variant Classification Sherloc (09022015). Collection method: clinical testing. Allele origin: germline.
Comment: This sequence change replaces threonine, which is neutral and polar, with serine, which is neutral and polar, at codon 21 of the TUBGCP6 protein (p.Thr21Ser). This variant is present in population databases (no rsID available, gnomAD 0.004%). This variant has not been reported in the literature in individuals affected with TUBGCP6-related conditions. Algorithms developed to predict the effect of missense changes on protein structure and function (SIFT, PolyPhen-2, Align-GVGD) all suggest that this variant is likely to be tolerated. In summary, the available evidence is currently insufficient to determine the role of this variant in disease. Therefore, it has been classified as a Variant of Uncertain Significance.